The following is an entry in ClinVar:

ClinVar aggregate classification (germline): Pathogenic (1 of 4 stars; one submission).

Conditions:
Hereditary cancer-predisposing syndrome. Also called: Neoplastic Syndromes, Hereditary; Tumor predisposition; Hereditary Cancer Syndrome; Hereditary neoplastic syndrome. Identifiers: Orphanet 140162, MedGen C0027672, MeSH D009386, MONDO:0015356.

Submission:

Ambry Genetics
Classification: Pathogenic for Hereditary cancer-predisposing syndrome. Last evaluated: 2025-02-20. Review status: criteria provided, single submitter. Criteria: Ambry Variant Classification Scheme 2023. Collection method: clinical testing. Allele origin: germline.
Comment: The c.1004_1005delTG pathogenic mutation, located in coding exon 8 of the CHEK2 gene, results from a deletion of two nucleotides at nucleotide positions 1004 to 1005, causing a translational frameshift with a predicted alternate stop codon (p.V335Afs*5). This variant is considered to be rare based on population cohorts in the Genome Aggregation Database (gnomAD). This alteration is expected to result in loss of function by premature protein truncation or nonsense-mediated mRNA decay. As such, this alteration is interpreted as a disease-causing mutation.

NM_007194.4(CHEK2):c.1004_1005del (p.Val335fs)

Gene: CHEK2 (checkpoint kinase 2; minus strand). Cytogenetic location: 22q12.1.
Variant type: Microsatellite.
Coding change: c.1004_1005del on transcript NM_007194.4 (MANE Select); coding-DNA positions 1004 to 1005, 2 bases deleted (TG; older notation c.1004_1005delTG).
Protein change: p.Val335fs; shifts the reading frame from valine 335.
Molecular consequence: frameshift variant.
Genome position (GRCh38, 1-based): chr22:28,699,841-28,699,842, CA deleted on the plus strand (TG on the coding strand, the reverse complement: CHEK2 is on the minus strand); deleting any 2 consecutive bases within chr22:28,699,841-28,699,844 gives the same sequence; the c. name uses the placement nearest the transcript's 3' end. VCF-style (leftmost placement, unchanged base first): chr22-28699840-GCA-G. GRCh37 (hg19) VCF-style: chr22-29095828-GCA-G.
Other names: c.1131_1132TG[1], p.Val378Alafs (NM_001005735.3); c.339_340TG[1], p.Val114Alafs (NM_001257387.3); c.801_802TG[1], p.Val268Alafs (NM_001349956.3); c.1002_1003TG[1], p.Val335Alafs (NM_145862.3); short protein forms V114fs, V268fs, V378fs, V335fs.
Identifiers: ClinVar variation 1776600 (VCV001776600.3), dbSNP rs2517847154, ClinGen allele CA2580615281.